The following is an entry in ClinVar:

ClinVar aggregate classification (germline): Likely benign (1 of 4 stars; one submission).

Allele frequency attached by ClinVar (database versions not stated): gnomAD exomes 0.00019; gnomAD 0.00021; TOPMed 0.00028; 1000 Genomes Project 0.00040; ExAC 0.00040; 1000 Genomes Project 30x 0.00047; ESP Exome Variant Server 0.00062.
gnomAD v4.1: 325 of 1,614,154 alleles (0.02%); highest among the groups gnomAD compares: Middle Eastern, 0.016%; 1 homozygote.

Submission:

CeGaT Center for Human Genetics Tuebingen
Classification: Likely benign. Last evaluated: 2023-01-01. Review status: criteria provided, single submitter. Criteria: CeGaT Center For Human Genetics Tuebingen Variant Classification Criteria Version 2. Collection method: clinical testing. Allele origin: germline. Affected: yes. Observed: 1 variant allele.
Comment: ZNF462: BP4, BP7

NM_021224.6(ZNF462):c.6819C>T (p.Ile2273=)

Gene: ZNF462 (zinc finger protein 462; plus strand). Cytogenetic location: 9q31.2.
Variant type: single nucleotide variant.
Coding change: c.6819C>T on transcript NM_021224.6 (MANE Select); coding-DNA position 6819, C replaced by T.
Protein change: p.Ile2273=; no amino-acid change (isoleucine 2273 retained).
Molecular consequence: synonymous variant.
Genome position (GRCh38, 1-based): chr9:106,974,260, C>T. VCF-style: chr9-106974260-C-T. GRCh37 (hg19) VCF-style: chr9-109736541-C-T.
Other names: c.4224C>T, p.Ile1408= (NM_001347997.2).
Identifiers: ClinVar variation 2659401 (VCV002659401.24), dbSNP rs148772622, ClinGen allele CA5172328.